The following is an entry in ClinVar:

ClinVar aggregate classification (germline): Uncertain significance (1 of 4 stars; one submission).

Conditions:
Intellectual developmental disorder, X-linked 1. Also called: Atkin Flaitz Patil Smith syndrome; Intellectual disability, X-linked 1; MENTAL RETARDATION, X-LINKED 18; MENTAL RETARDATION, X-LINKED 78. Identifiers: Orphanet 777, MedGen C2931498, MONDO:0010656, OMIM 309530.

Submission:

Labcorp Genetics (formerly Invitae), Labcorp
Classification: Uncertain significance for Intellectual developmental disorder, X-linked 1. Last evaluated: 2023-01-28. Review status: criteria provided, single submitter. Criteria: Invitae Variant Classification Sherloc (09022015). Collection method: clinical testing. Allele origin: germline.
Comment: This sequence change replaces proline, which is neutral and non-polar, with leucine, which is neutral and non-polar, at codon 180 of the IQSEC2 protein (p.Pro180Leu). This variant is not present in population databases (gnomAD no frequency). This variant has not been reported in the literature in individuals affected with IQSEC2-related conditions. Advanced modeling of protein sequence and biophysical properties (such as structural, functional, and spatial information, amino acid conservation, physicochemical variation, residue mobility, and thermodynamic stability) performed at Invitae indicates that this missense variant is not expected to disrupt IQSEC2 protein function. In summary, the available evidence is currently insufficient to determine the role of this variant in disease. Therefore, it has been classified as a Variant of Uncertain Significance.

NM_001111125.3(IQSEC2):c.539C>T (p.Pro180Leu)

Gene: IQSEC2 (IQ motif and Sec7 domain ArfGEF 2; minus strand). Cytogenetic location: Xp11.22.
Variant type: single nucleotide variant.
Coding change: c.539C>T on transcript NM_001111125.3 (MANE Select); coding-DNA position 539, C replaced by T.
Protein change: p.Pro180Leu; replaces proline 180 with leucine.
Molecular consequence: missense variant.
Genome position (GRCh38, 1-based): chrX:53,320,585, G>A on the plus strand (C>T on the coding strand, the complement: IQSEC2 is on the minus strand). VCF-style: chrX-53320585-G-A. GRCh37 (hg19) VCF-style: chrX-53349783-G-A.
Other names: c.539C>T, p.Pro180Leu (NM_001410736.1); short protein forms P180L.
Identifiers: ClinVar variation 2832576 (VCV002832576.3), dbSNP rs2520579416, ClinGen allele CA413239120.